The following is an entry in ClinVar:

NM_001958.5(EEF1A2):c.1268_1269delinsAA (p.Arg423Gln)

Gene: EEF1A2 (eukaryotic translation elongation factor 1 alpha 2; minus strand). Cytogenetic location: 20q13.33.
Variant type: Indel.
Coding change: c.1268_1269delinsAA on transcript NM_001958.5 (MANE Select); coding-DNA positions 1268 to 1269, GC replaced by AA.
Protein change: p.Arg423Gln; replaces arginine 423 with glutamine.
Molecular consequence: missense variant.
Genome position (GRCh38, 1-based): chr20:63,488,421-63,488,422, GC replaced by TT on the plus strand (GC replaced by AA on the coding strand, the reverse complement: EEF1A2 is on the minus strand). VCF-style: chr20-63488421-GC-TT. GRCh37 (hg19) VCF-style: chr20-62119774-GC-TT.
Other names: short protein forms R423Q.
Identifiers: ClinVar variation 2863317 (VCV002863317.3), dbSNP rs2516772360, ClinGen allele CA2739277242.

ClinVar aggregate classification (germline): Uncertain significance (1 of 4 stars; one submission).

Conditions:
Developmental and epileptic encephalopathy, 33 (DEE33). Also called: Epileptic encephalopathy, early infantile, 33. Identifiers: Orphanet 442835, MedGen C4225337, MONDO:0014625, OMIM 616409.

Submission:

Labcorp Genetics (formerly Invitae), Labcorp
Classification: Uncertain significance for Developmental and epileptic encephalopathy, 33. Last evaluated: 2023-05-11. Review status: criteria provided, single submitter. Criteria: Invitae Variant Classification Sherloc (09022015). Collection method: clinical testing. Allele origin: germline.
Comment: This sequence change replaces arginine, which is basic and polar, with glutamine, which is neutral and polar, at codon 423 of the EEF1A2 protein (p.Arg423Gln). Information on the frequency of this variant in the gnomAD database is not available, as this variant may be reported differently in the database. This variant has not been reported in the literature in individuals affected with EEF1A2-related conditions. In summary, the available evidence is currently insufficient to determine the role of this variant in disease. Therefore, it has been classified as a Variant of Uncertain Significance. This variant disrupts the p.Arg423 amino acid residue in EEF1A2. Other variant(s) that disrupt this residue have been determined to be pathogenic (PMID: 27441201, 28911200, 30109124). This suggests that this residue is clinically significant, and that variants that disrupt this residue are likely to be disease-causing. An algorithm developed to predict the effect of missense changes on protein structure and function (PolyPhen-2) suggests that this variant is likely to be disruptive.

Literature cited by the submitters: PubMed 27441201; PubMed 28911200; PubMed 30109124.